The following is an entry in ClinVar:

ClinVar aggregate classification (germline): Uncertain significance (1 of 4 stars; one submission).

Conditions:
RYR1-related disorder. Also called: RYR1-related condition; RYR1-related disorders. Identifiers: MedGen CN239331.

Submission:

Labcorp Genetics (formerly Invitae), Labcorp
Classification: Uncertain significance for RYR1-related disorder. Last evaluated: 2022-08-23. Review status: criteria provided, single submitter. Criteria: Invitae Variant Classification Sherloc (09022015). Collection method: clinical testing. Allele origin: germline.
Comment: This sequence change replaces leucine, which is neutral and non-polar, with isoleucine, which is neutral and non-polar, at codon 528 of the RYR1 protein (p.Leu528Ile). This variant is not present in population databases (gnomAD no frequency). This variant has not been reported in the literature in individuals affected with RYR1-related conditions. ClinVar contains an entry for this variant (Variation ID: 1482061). Advanced modeling of protein sequence and biophysical properties (such as structural, functional, and spatial information, amino acid conservation, physicochemical variation, residue mobility, and thermodynamic stability) performed at Invitae indicates that this missense variant is not expected to disrupt RYR1 protein function. In summary, the available evidence is currently insufficient to determine the role of this variant in disease. Therefore, it has been classified as a Variant of Uncertain Significance.

NM_000540.3(RYR1):c.1582C>A (p.Leu528Ile)

Gene: RYR1 (ryanodine receptor 1; plus strand). Cytogenetic location: 19q13.2.
Variant type: single nucleotide variant.
Coding change: c.1582C>A on transcript NM_000540.3 (MANE Select); coding-DNA position 1582, C replaced by A.
Protein change: p.Leu528Ile; replaces leucine 528 with isoleucine.
Molecular consequence: missense variant.
Genome position (GRCh38, 1-based): chr19:38,455,456, C>A. VCF-style: chr19-38455456-C-A. GRCh37 (hg19) VCF-style: chr19-38946096-C-A.
Other names: c.1582C>A, p.Leu528Ile (NM_001042723.2); short protein forms L528I.
Identifiers: ClinVar variation 1482061 (VCV001482061.8), dbSNP rs2145394521, ClinGen allele CA405689608.